The following is an entry in ClinVar:

ClinVar aggregate classification (germline): Uncertain significance. Review status: criteria provided, multiple submitters, no conflicts (2 of 4 stars). 2 submissions from 2 submitters: Uncertain significance (2). Last evaluated 2025-05-29.

Submissions (2):

GeneDx
Classification: Uncertain significance. Last evaluated: 2025-05-29. Review status: criteria provided, single submitter. Criteria: GeneDx Variant Classification Process June 2021. Collection method: clinical testing. Allele origin: germline. Affected: yes.
Comment: Not observed at significant frequency in large population cohorts (gnomAD); In silico analysis suggests that this missense variant does not alter protein structure/function; Occurs in the triple helical domain within an interruption of the canonical Gly-X-Y repeat; Has not been previously published as pathogenic or benign to our knowledge

Labcorp Genetics (formerly Invitae), Labcorp
Classification: Uncertain significance. Last evaluated: 2025-01-06. Review status: criteria provided, single submitter. Criteria: Invitae Variant Classification Sherloc (09022015). Collection method: clinical testing. Allele origin: germline.
Comment: This sequence change replaces glutamic acid, which is acidic and polar, with valine, which is neutral and non-polar, at codon 345 of the COL4A3 protein (p.Glu345Val). This variant is not present in population databases (gnomAD no frequency). This variant has not been reported in the literature in individuals affected with COL4A3-related conditions. ClinVar contains an entry for this variant (Variation ID: 1312852). An algorithm developed to predict the effect of missense changes on protein structure and function outputs the following: PolyPhen-2: "Possibly Damaging". The valine amino acid residue is found in multiple mammalian species, which suggests that this missense change does not adversely affect protein function. In summary, the available evidence is currently insufficient to determine the role of this variant in disease. Therefore, it has been classified as a Variant of Uncertain Significance.

NM_000091.5(COL4A3):c.1034A>T (p.Glu345Val)

Genes: COL4A3 (collagen type IV alpha 3 chain; plus strand), MFF-DT (MFF divergent transcript; minus strand). Cytogenetic location: 2q36.3.
Variant type: single nucleotide variant.
Coding change: c.1034A>T on transcript NM_000091.5 (MANE Select); coding-DNA position 1034, A replaced by T.
Protein change: p.Glu345Val; replaces glutamic acid 345 with valine.
Molecular consequence: missense variant.
Genome position (GRCh38, 1-based): chr2:227,259,797, A>T. VCF-style: chr2-227259797-A-T. GRCh37 (hg19) VCF-style: chr2-228124513-A-T.
Other names: short protein forms E345V.
Identifiers: ClinVar variation 1312852 (VCV001312852.7), dbSNP rs951964916, ClinGen allele CA350868171.